The following is an entry in ClinVar:

ClinVar aggregate classification (germline): Uncertain significance (1 of 4 stars; one submission).

Allele frequency attached by ClinVar (database versions not stated): gnomAD exomes below 0.00001.

Submission:

Labcorp Genetics (formerly Invitae), Labcorp
Classification: Uncertain significance. Last evaluated: 2022-08-22. Review status: criteria provided, single submitter. Criteria: Invitae Variant Classification Sherloc (09022015). Collection method: clinical testing. Allele origin: germline.
Comment: This variant is not present in population databases (gnomAD no frequency). This sequence change creates a premature translational stop signal (p.Met1137Cysfs*36) in the FAT2 gene. It is expected to result in an absent or disrupted protein product. However, the current clinical and genetic evidence is not sufficient to establish whether loss-of-function variants in FAT2 cause disease. Algorithms developed to predict the effect of sequence changes on RNA splicing suggest that this variant may disrupt the consensus splice site. In summary, the available evidence is currently insufficient to determine the role of this variant in disease. Therefore, it has been classified as a Variant of Uncertain Significance. This variant has not been reported in the literature in individuals affected with FAT2-related conditions.

NM_001447.3(FAT2):c.3408del (p.Met1137fs)

Gene: FAT2 (FAT atypical cadherin 2; minus strand). Cytogenetic location: 5q33.1.
Variant type: Deletion.
Coding change: c.3408del on transcript NM_001447.3 (MANE Select); coding-DNA position 3408, one base deleted (G; older notation c.3408delG).
Protein change: p.Met1137fs; shifts the reading frame from methionine 1137.
Molecular consequence: frameshift variant.
Genome position (GRCh38, 1-based): chr5:151,563,491, C deleted on the plus strand (G on the coding strand, the reverse complement: FAT2 is on the minus strand). VCF-style (leftmost placement, unchanged base first): chr5-151563490-TC-T. GRCh37 (hg19) VCF-style: chr5-150943051-TC-T.
Other names: short protein forms M1137fs.
Identifiers: ClinVar variation 2026103 (VCV002026103.4), dbSNP rs2479996851, ClinGen allele CA2580073903.